The following is an entry in ClinVar:

NM_001042492.3(NF1):c.2984T>C (p.Leu995Pro)

Gene: NF1 (neurofibromin 1; plus strand). Cytogenetic location: 17q11.2.
Variant type: single nucleotide variant.
Coding change: c.2984T>C on transcript NM_001042492.3 (MANE Select); coding-DNA position 2984, T replaced by C.
Protein change: p.Leu995Pro; replaces leucine 995 with proline.
Molecular consequence: missense variant.
Genome position (GRCh38, 1-based): chr17:31,229,968, T>C. VCF-style: chr17-31229968-T-C. GRCh37 (hg19) VCF-style: chr17-29556986-T-C.
Other names: c.2984T>C, p.Leu995Pro (NM_000267.4); short protein forms L995P.
Identifiers: ClinVar variation 822432 (VCV000822432.17), dbSNP rs1597716466, ClinGen allele CA398986437.

ClinVar aggregate classification (germline): Pathogenic/Likely pathogenic. Review status: criteria provided, multiple submitters, no conflicts (2 of 4 stars). 5 submissions from 5 submitters: Pathogenic (1); Likely pathogenic (4). Last evaluated 2026-08-20.

Conditions:
NF1-related disorder. Also called: NF1-related condition. Identifiers: MedGen CN379171.
Cardiovascular phenotype. Identifiers: MedGen CN230736.
Hereditary cancer-predisposing syndrome. Also called: Neoplastic Syndromes, Hereditary; Tumor predisposition; Hereditary Cancer Syndrome; Hereditary neoplastic syndrome. Identifiers: Orphanet 140162, MedGen C0027672, MeSH D009386, MONDO:0015356.
Neurofibromatosis, type 1 (NF1). Also called: VON RECKLINGHAUSEN DISEASE; Peripheral type neurofibromatosis; NEUROFIBROMATOSIS, TYPE I, SOMATIC; Neurofibromatosis, type I. Identifiers: Orphanet 636, MedGen C0027831, MONDO:0018975, OMIM 162200. Disease mechanism: loss of function.

Submissions (5):

GeneDx
Classification: Likely pathogenic. Last evaluated: 2026-08-20. Review status: criteria provided, single submitter. Criteria: GeneDx Variant Classification Process June 2021. Collection method: clinical testing. Allele origin: germline.
Comment: Observed in individuals with neurofibromatosis type 1 syndrome in published literature (PMID: 16786508) and referred for genetic testing at GeneDx; Not observed at significant frequency in large population cohorts (gnomAD); In silico analysis supports that this missense variant has a deleterious effect on protein structure/function; This variant is associated with the following publications: (PMID: 23656349, 10712197, Douben2023[Functional study], 16786508, 25486365, 2121369, 40225167)

Myriad Genetics, Inc.
Classification: Likely pathogenic for Neurofibromatosis, type 1. Last evaluated: 2026-03-25. Review status: criteria provided, single submitter. Criteria: Myriad Autosomal Dominant, Autosomal Recessive and X-Linked Classification Criteria (2023). Collection method: clinical testing. Allele origin: unknown.
Comment: This variant is considered likely pathogenic. This variant has been reported in multiple individuals with clinical features of gene-specific disease [PMID: 16786508, 36215287; Myriad internal data]. This variant is expected to disrupt protein structure [Myriad internal data].

Labcorp Genetics (formerly Invitae), Labcorp
Classification: Pathogenic for Neurofibromatosis, type 1. Last evaluated: 2025-02-24. Review status: criteria provided, single submitter. Criteria: Invitae Variant Classification Sherloc (09022015). Collection method: clinical testing. Allele origin: germline.
Comment: This sequence change replaces leucine, which is neutral and non-polar, with proline, which is neutral and non-polar, at codon 995 of the NF1 protein (p.Leu995Pro). This variant is not present in population databases (gnomAD no frequency). This missense change has been observed in individual(s) with neurofibromatosis, type 1 (PMID: 16786508; internal data). ClinVar contains an entry for this variant (Variation ID: 822432). Invitae Evidence Modeling of protein sequence and biophysical properties (such as structural, functional, and spatial information, amino acid conservation, physicochemical variation, residue mobility, and thermodynamic stability) indicates that this missense variant is expected to disrupt NF1 protein function with a positive predictive value of 95%. For these reasons, this variant has been classified as Pathogenic.

Blueprint Genetics
Classification: Likely pathogenic for NF1-related disorders. Last evaluated: 2021-10-06. Review status: criteria provided, single submitter. Criteria: ACMG Guidelines, 2015. Collection method: clinical testing. Allele origin: germline. Affected: yes. Observed: 1 variant allele.

Ambry Genetics
Classification: Likely pathogenic for Cardiovascular phenotype; Hereditary cancer-predisposing syndrome. Last evaluated: 2018-08-24. Review status: criteria provided, single submitter. Criteria: Ambry Variant Classification Scheme 2023. Collection method: clinical testing. Allele origin: germline.
Comment: The p.L995P variant (also known as c.2984T>C), located in coding exon 22 of the NF1 gene, results from a T to C substitution at nucleotide position 2984. The leucine at codon 995 is replaced by proline, an amino acid with similar properties. This amino acid position is highly conserved in available vertebrate species. In addition, the in silico prediction for this alteration is inconclusive. Based on the majority of available evidence to date, this variant is likely to be pathogenic.

Literature cited by the submitters: PubMed 16786508 (cited by Myriad Genetics, Inc. and Labcorp Genetics (formerly Invitae), Labcorp); PubMed 36215287 (cited by Myriad Genetics, Inc.).